The following is an entry in ClinVar:

NM_152383.5(DIS3L2):c.452C>T (p.Pro151Leu)

Gene: DIS3L2 (DIS3 like 3'-5' exoribonuclease 2; plus strand). Cytogenetic location: 2q37.1.
Variant type: single nucleotide variant.
Coding change: c.452C>T on transcript NM_152383.5 (MANE Select); coding-DNA position 452, C replaced by T.
Protein change: p.Pro151Leu; replaces proline 151 with leucine.
Molecular consequence: missense variant. On other transcripts: non-coding transcript variant (2).
Genome position (GRCh38, 1-based): chr2:232,087,572, C>T. VCF-style: chr2-232087572-C-T. GRCh37 (hg19) VCF-style: chr2-232952282-C-T.
Other names: c.452C>T, p.Pro151Leu (NM_001257281.2, NM_001257282.2); c.452C>T (NM_152383.4); short protein forms P151L.
Identifiers: ClinVar variation 1431430 (VCV001431430.7), dbSNP rs201279487, ClinGen allele CA2163827.

ClinVar aggregate classification (germline): Conflicting classifications of pathogenicity. Review status: criteria provided, conflicting classifications (1 of 4 stars). 2 submissions from 2 submitters: Uncertain significance (1); Likely benign (1). Last evaluated 2025-07-14.

Conditions:
Perlman syndrome (PRLMNS). Identifiers: Orphanet 2849, MedGen C0796113, MONDO:0009965, OMIM 267000.
Inborn genetic diseases. Identifiers: MedGen C0950123, MeSH D030342.

Allele frequency attached by ClinVar (database versions not stated): gnomAD 0.00001; gnomAD exomes 0.00001 and 0.00002; TOPMed 0.00002; ExAC 0.00003; 1000 Genomes Project 30x 0.00016; 1000 Genomes Project 0.00020.
gnomAD v4.1: 12 of 1,614,002 alleles (0.00074%); highest among the groups gnomAD compares: African/African-American, 0.0027%; no homozygotes.

Submissions (2):

Labcorp Genetics (formerly Invitae), Labcorp
Classification: Uncertain significance for Perlman syndrome. Last evaluated: 2025-07-14. Review status: criteria provided, single submitter. Criteria: Invitae Variant Classification Sherloc (09022015). Collection method: clinical testing. Allele origin: germline.
Comment: This sequence change replaces proline, which is neutral and non-polar, with leucine, which is neutral and non-polar, at codon 151 of the DIS3L2 protein (p.Pro151Leu). This variant is present in population databases (rs201279487, gnomAD 0.01%). This variant has not been reported in the literature in individuals affected with DIS3L2-related conditions. ClinVar contains an entry for this variant (Variation ID: 1431430). An algorithm developed to predict the effect of missense changes on protein structure and function outputs the following: PolyPhen-2: "Benign". The leucine amino acid residue is found in multiple mammalian species, which suggests that this missense change does not adversely affect protein function. In summary, the available evidence is currently insufficient to determine the role of this variant in disease. Therefore, it has been classified as a Variant of Uncertain Significance.

Ambry Genetics
Classification: Likely benign for Inborn genetic diseases. Last evaluated: 2021-08-09. Review status: criteria provided, single submitter. Criteria: Ambry Variant Classification Scheme 2023. Collection method: clinical testing. Allele origin: germline.